The following is an entry in ClinVar:

ClinVar aggregate classification (germline): Uncertain significance (1 of 4 stars; one submission).

Allele frequency attached by ClinVar (database versions not stated): TOPMed 0.00002; gnomAD 0.00007; ExAC 0.00009; gnomAD exomes 0.00017.
gnomAD v4.1: 248 of 1,614,120 alleles (0.015%); highest among the groups gnomAD compares: East Asian, 0.54%; 1 homozygote.

Submission:

Labcorp Genetics (formerly Invitae), Labcorp
Classification: Uncertain significance. Last evaluated: 2022-08-20. Review status: criteria provided, single submitter. Criteria: Invitae Variant Classification Sherloc (09022015). Collection method: clinical testing. Allele origin: germline.
Comment: This sequence change replaces glutamic acid, which is acidic and polar, with glycine, which is neutral and non-polar, at codon 408 of the PKDCC protein (p.Glu408Gly). This variant is present in population databases (rs762284448, gnomAD 0.09%). This variant has not been reported in the literature in individuals affected with PKDCC-related conditions. Algorithms developed to predict the effect of missense changes on protein structure and function are either unavailable or do not agree on the potential impact of this missense change (SIFT: "Deleterious"; PolyPhen-2: "Benign"; Align-GVGD: "Class C15"). In summary, the available evidence is currently insufficient to determine the role of this variant in disease. Therefore, it has been classified as a Variant of Uncertain Significance.

NM_138370.3(PKDCC):c.1223A>G (p.Glu408Gly)

Gene: PKDCC (protein kinase domain containing, cytoplasmic; plus strand). Cytogenetic location: 2p21.
Variant type: single nucleotide variant.
Coding change: c.1223A>G on transcript NM_138370.3 (MANE Select); coding-DNA position 1223, A replaced by G.
Protein change: p.Glu408Gly; replaces glutamic acid 408 with glycine.
Molecular consequence: missense variant.
Genome position (GRCh38, 1-based): chr2:42,057,221, A>G. VCF-style: chr2-42057221-A-G. GRCh37 (hg19) VCF-style: chr2-42284361-A-G.
Other names: short protein forms E408G.
Identifiers: ClinVar variation 2203051 (VCV002203051.1), dbSNP rs762284448, ClinGen allele CA1628200.